The following is an entry in ClinVar:

ClinVar aggregate classification (germline): Pathogenic (1 of 4 stars; one submission).

Conditions:
Intellectual developmental disorder, X-linked 1. Also called: Atkin Flaitz Patil Smith syndrome; Intellectual disability, X-linked 1; MENTAL RETARDATION, X-LINKED 18; MENTAL RETARDATION, X-LINKED 78. Identifiers: Orphanet 777, MedGen C2931498, MONDO:0010656, OMIM 309530.

Submission:

Labcorp Genetics (formerly Invitae), Labcorp
Classification: Pathogenic for Intellectual developmental disorder, X-linked 1. Last evaluated: 2025-02-17. Review status: criteria provided, single submitter. Criteria: Invitae Variant Classification Sherloc (09022015). Collection method: clinical testing. Allele origin: germline.
Comment: This sequence change creates a premature translational stop signal (p.Ser302Valfs*4) in the IQSEC2 gene. It is expected to result in an absent or disrupted protein product. Loss-of-function variants in IQSEC2 are known to be pathogenic (PMID: 21686261, 26793055, 27665735). This variant is not present in population databases (gnomAD no frequency). This variant has not been reported in the literature in individuals affected with IQSEC2-related conditions. ClinVar contains an entry for this variant (Variation ID: 2809710). For these reasons, this variant has been classified as Pathogenic.

Literature cited by the submitters: PubMed 21686261; PubMed 26793055; PubMed 27665735.

NM_001111125.3(IQSEC2):c.903del (p.Ser302fs)

Gene: IQSEC2 (IQ motif and Sec7 domain ArfGEF 2; minus strand). Cytogenetic location: Xp11.22.
Variant type: Deletion.
Coding change: c.903del on transcript NM_001111125.3 (MANE Select); coding-DNA position 903, one base deleted (C; older notation c.903delC).
Protein change: p.Ser302fs; shifts the reading frame from serine 302.
Molecular consequence: frameshift variant.
Genome position (GRCh38, 1-based): chrX:53,255,896, G deleted on the plus strand (C on the coding strand, the reverse complement: IQSEC2 is on the minus strand); the first of 2 consecutive G bases (chrX:53,255,896-53,255,897); deleting either gives the same sequence. VCF-style (leftmost placement, unchanged base first): chrX-53255895-TG-T. GRCh37 (hg19) VCF-style: chrX-53285077-TG-T.
Other names: c.903del, p.Ser302fs (NM_001410736.1); c.288del, p.Ser97fs (NM_015075.2); short protein forms S302fs, S97fs.
Identifiers: ClinVar variation 2809710 (VCV002809710.3), dbSNP rs2519851401, ClinGen allele CA2739273508.